The following is an entry in ClinVar:

NM_025179.4(PLXNA2):c.3239G>A (p.Gly1080Asp)

Gene: PLXNA2 (plexin A2; minus strand). Cytogenetic location: 1q32.2.
Variant type: single nucleotide variant.
Coding change: c.3239G>A on transcript NM_025179.4 (MANE Select); coding-DNA position 3239, G replaced by A.
Protein change: p.Gly1080Asp; replaces glycine 1080 with aspartic acid.
Molecular consequence: missense variant.
Genome position (GRCh38, 1-based): chr1:208,051,025, C>T on the plus strand (G>A on the coding strand, the complement: PLXNA2 is on the minus strand). VCF-style: chr1-208051025-C-T. GRCh37 (hg19) VCF-style: chr1-208224370-C-T.
Other names: short protein forms G1080D.
Identifiers: ClinVar variation 3348878 (VCV003348878.1).
Genomic context (GRCh38, chr1:208,051,025, plus strand): 5'-GAGCTGTGTTTACCAAAGGCTGGGGCAGACCAACAGTTACTCACATTGACAGATTCTTTG[C>T]CATTGAATTTGACTCGGATCCTTGGCTCCTGAATGACATCCAGGTTGAAGCCTGTGATGG-3'
Protein context (NP_079455.3, residues 1070-1090): QEPRIRVKFN[Gly1080Asp]KESVNVCKVV

ClinVar aggregate classification (germline): Uncertain significance (0 of 4 stars; one submission).

Conditions:
PLXNA2-related disorder. Also called: PLXNA2-related condition.

gnomAD v4.1: 7 of 1,612,574 alleles (0.00043%); highest among the groups gnomAD compares: African/African-American, 0.0053%; no homozygotes.

Submission:

PreventionGenetics, part of Exact Sciences
Classification: Uncertain significance for PLXNA2-related condition. Last evaluated: 2024-02-07. Review status: no assertion criteria provided. Collection method: clinical testing. Allele origin: germline.
Comment: The PLXNA2 c.3239G>A variant is predicted to result in the amino acid substitution p.Gly1080Asp. To our knowledge, this variant has not been reported in the literature. This variant is reported in 0.0040% of alleles in individuals of African descent in gnomAD. At this time, the clinical significance of this variant is uncertain due to the absence of conclusive functional and genetic evidence.